The following is an entry in ClinVar:

NM_003995.4(NPR2):c.2927G>A (p.Arg976His)

Genes: NPR2 (natriuretic peptide receptor 2; plus strand), SPAG8 (sperm associated antigen 8; minus strand). Cytogenetic location: 9p13.3.
Variant type: single nucleotide variant.
Coding change: c.2927G>A on transcript NM_003995.4 (MANE Select); coding-DNA position 2927, G replaced by A.
Protein change: p.Arg976His; replaces arginine 976 with histidine.
Molecular consequence: missense variant. On other transcripts: intron variant (2).
Genome position (GRCh38, 1-based): chr9:35,808,794, G>A. VCF-style: chr9-35808794-G-A. GRCh37 (hg19) VCF-style: chr9-35808791-G-A.
Other names: c.2936G>A, p.Arg979His (NM_001378923.1); c.1201-488C>T (NM_001366760.2); c.1373-488C>T (NM_172312.2); short protein forms R976H, R979H.
Identifiers: ClinVar variation 3749317 (VCV003749317.2).

ClinVar aggregate classification (germline): Uncertain significance (1 of 4 stars; one submission).

Conditions:
Acromesomelic dysplasia 1, Maroteaux type (AMD1). Also called: ST. HELENA DYSPLASIA; ACROMESOMELIC DYSPLASIA 1. Identifiers: Orphanet 40, MedGen C1864356, MONDO:0011275, OMIM 602875.
Tall stature-scoliosis-macrodactyly of the great toes syndrome. Also called: Epiphyseal chondrodysplasia, miura type. Identifiers: Orphanet 329191, MedGen C4014690, MONDO:0014401, OMIM 615923.

gnomAD v4.1: 2 of 1,613,686 alleles (0.00012%); highest among the groups gnomAD compares: Non-Finnish European, 0.00017%; no homozygotes.

Submission:

Labcorp Genetics (formerly Invitae), Labcorp
Classification: Uncertain significance for Tall stature-scoliosis-macrodactyly of the great toes syndrome; Acromesomelic dysplasia 1, Maroteaux type. Last evaluated: 2024-03-29. Review status: criteria provided, single submitter. Criteria: Invitae Variant Classification Sherloc (09022015). Collection method: clinical testing. Allele origin: germline.
Comment: This sequence change replaces arginine, which is basic and polar, with histidine, which is basic and polar, at codon 976 of the NPR2 protein (p.Arg976His). This variant is not present in population databases (gnomAD no frequency). This variant has not been reported in the literature in individuals affected with NPR2-related conditions. Advanced modeling of protein sequence and biophysical properties (such as structural, functional, and spatial information, amino acid conservation, physicochemical variation, residue mobility, and thermodynamic stability) has been performed at Invitae for this missense variant, however the output from this modeling did not meet the statistical confidence thresholds required to predict the impact of this variant on NPR2 protein function. In summary, the available evidence is currently insufficient to determine the role of this variant in disease. Therefore, it has been classified as a Variant of Uncertain Significance.